The following is an entry in ClinVar:

ClinVar aggregate classification (germline): Uncertain significance (1 of 4 stars; one submission).

Submission:

Mayo Clinic Laboratories, Mayo Clinic
Classification: Uncertain significance. Last evaluated: 2024-12-10. Review status: criteria provided, single submitter. Criteria: ACMG Guidelines, 2015. Collection method: clinical testing. Allele origin: germline. Observed: 1 variant allele.
Comment: PP3, PM2_supporting

NM_000342.4(SLC4A1):c.1832C>G (p.Pro611Arg)

Gene: SLC4A1 (solute carrier family 4 member 1 (Diego blood group); minus strand). Cytogenetic location: 17q21.31.
Variant type: single nucleotide variant.
Coding change: c.1832C>G on transcript NM_000342.4 (MANE Select); coding-DNA position 1832, C replaced by G.
Protein change: p.Pro611Arg; replaces proline 611 with arginine.
Molecular consequence: missense variant.
Genome position (GRCh38, 1-based): chr17:44,255,265, G>C on the plus strand (C>G on the coding strand, the complement: SLC4A1 is on the minus strand). VCF-style: chr17-44255265-G-C. GRCh37 (hg19) VCF-style: chr17-42332633-G-C.
Other names: p.Pro611Arg; short protein forms P611R.
Identifiers: ClinVar variation 4542167 (VCV004542167.1).